The following is an entry in ClinVar:

ClinVar aggregate classification (germline): Benign. Review status: criteria provided, multiple submitters, no conflicts (2 of 4 stars). 3 submissions from 3 submitters: Benign (2). 1 of the submissions does not count toward it. Last evaluated 2021-05-04.

Conditions:
CEMIP-related disorder. Also called: CEMIP-related condition.

Allele frequency attached by ClinVar (database versions not stated): 1000 Genomes Project 30x 0.98688; ESP Exome Variant Server 0.98839; 1000 Genomes Project 0.98842; TOPMed 0.98933; gnomAD 0.98961 and 0.99016; ExAC 0.99612; gnomAD exomes 0.99662 and 0.99865.
gnomAD v4.1: 1,610,573 of 1,614,182 alleles (100%); highest among the groups gnomAD compares: East Asian, 100%; 803,521 homozygotes.

Submissions (3):

GeneDx
Classification: Benign. Last evaluated: 2021-05-04. Review status: criteria provided, single submitter. Criteria: GeneDx Variant Classification Process June 2021. Collection method: clinical testing. Allele origin: germline. Affected: yes.

Breakthrough Genomics
Classification: Benign. Review status: criteria provided, single submitter. Criteria: ACMG Guidelines, 2015. Collection method: not provided. Allele origin: germline. Inheritance: Unknown mechanism. Affected: yes.

PreventionGenetics, part of Exact Sciences
Classification: Benign for CEMIP-related condition. Last evaluated: 2019-11-12. Review status: no assertion criteria provided. Collection method: clinical testing. Allele origin: germline. Not counted in ClinVar's aggregate classification.
Comment: This variant is classified as benign based on ACMG/AMP sequence variant interpretation guidelines (Richards et al. 2015 PMID: 25741868, with internal and published modifications).

NM_001293298.2(CEMIP):c.1971G>A (p.Pro657=)

Gene: CEMIP (cell migration inducing hyaluronidase 1; plus strand). Cytogenetic location: 15q25.1.
Variant type: single nucleotide variant.
Coding change: c.1971G>A on transcript NM_001293298.2 (MANE Select); coding-DNA position 1971, G replaced by A.
Protein change: p.Pro657=; no amino-acid change (proline 657 retained).
Molecular consequence: synonymous variant.
Genome position (GRCh38, 1-based): chr15:80,920,267, G>A. VCF-style: chr15-80920267-G-A. GRCh37 (hg19) VCF-style: chr15-81212608-G-A.
Other names: c.1971G>A, p.Pro657= (NM_001293304.2, NM_018689.3).
Identifiers: ClinVar variation 1286475 (VCV001286475.4), dbSNP rs1553647, ClinGen allele CA7693108.